The following is an entry in ClinVar:

ClinVar aggregate classification (germline): Uncertain significance. Review status: criteria provided, multiple submitters, no conflicts (2 of 4 stars). 2 submissions from 2 submitters: Uncertain significance (2). Last evaluated 2026-01-09.

Conditions:
Cardiovascular phenotype. Identifiers: MedGen CN230736.
Long QT syndrome (LQTS). Identifiers: MedGen C0023976, MeSH D008133, MONDO:0002442. Disease mechanism: loss of function. Inheritance: Various modes of inheritance.

Allele frequency attached by ClinVar (database versions not stated): gnomAD exomes below 0.00001.

Submissions (2):

Ambry Genetics
Classification: Uncertain significance for Cardiovascular phenotype. Last evaluated: 2026-01-09. Review status: criteria provided, single submitter. Criteria: Ambry Variant Classification Scheme 2023. Collection method: clinical testing. Allele origin: germline.
Comment: The c.131T>C (p.V44A) alteration is located in exon 2 (coding exon 2) of the CAV3 gene. This alteration results from a T to C substitution at nucleotide position 131, causing the valine (V) at amino acid position 44 to be replaced by an alanine (A). Based on data from gnomAD, the C allele has an overall frequency of <0.001% (1/251290) total alleles studied. The highest observed frequency was 0.003% (1/34578) of Latino alleles. Based on insufficient or conflicting evidence, the clinical significance of this alteration remains unclear.

Labcorp Genetics (formerly Invitae), Labcorp
Classification: Uncertain significance for Long QT syndrome. Last evaluated: 2025-10-21. Review status: criteria provided, single submitter. Criteria: Invitae Variant Classification Sherloc (09022015). Collection method: clinical testing. Allele origin: germline.
Comment: This sequence change replaces valine, which is neutral and non-polar, with alanine, which is neutral and non-polar, at codon 44 of the CAV3 protein (p.Val44Ala). This variant is present in population databases (no rsID available, gnomAD 0.003%). This missense change has been observed in individual(s) with clinical features of CAV3-related conditions (internal data). ClinVar contains an entry for this variant (Variation ID: 864417). An algorithm developed to predict the effect of missense changes on protein structure and function (PolyPhen-2) suggests that this variant is likely to be disruptive. In summary, the available evidence is currently insufficient to determine the role of this variant in disease. Therefore, it has been classified as a Variant of Uncertain Significance.

NM_033337.3(CAV3):c.131T>C (p.Val44Ala)

Genes: CAV3 (caveolin 3; plus strand), OXTR (oxytocin receptor; minus strand). Cytogenetic location: 3p25.3.
Variant type: single nucleotide variant.
Coding change: c.131T>C on transcript NM_033337.3 (MANE Select); coding-DNA position 131, T replaced by C.
Protein change: p.Val44Ala; replaces valine 44 with alanine.
Molecular consequence: missense variant.
Genome position (GRCh38, 1-based): chr3:8,745,542, T>C. VCF-style: chr3-8745542-T-C. GRCh37 (hg19) VCF-style: chr3-8787228-T-C.
Other names: c.131T>C, p.Val44Ala (NM_001234.5); short protein forms V44A.
Identifiers: ClinVar variation 864417 (VCV000864417.7), dbSNP rs116840788, ClinGen allele CA351663147.